The following is an entry in ClinVar:

NM_000059.4(BRCA2):c.10225dup (p.Gln3409fs)

Gene: BRCA2 (BRCA2 DNA repair associated; plus strand). Cytogenetic location: 13q13.1.
Variant type: Duplication.
Coding change: c.10225dup on transcript NM_000059.4 (MANE Select); coding-DNA position 10225, one base duplicated (C; older notation c.10225dupC).
Protein change: p.Gln3409fs; shifts the reading frame from glutamine 3409.
Molecular consequence: frameshift variant.
Genome position (GRCh38, 1-based): chr13:32,398,738, C duplicated. VCF-style (leftmost placement, unchanged base first): chr13-32398737-G-GC. GRCh37 (hg19) VCF-style: chr13-32972874-G-GC.
Other names: c.10225dupC (NM_000059.3); short protein forms Q3409fs.
Identifiers: ClinVar variation 421154 (VCV000421154.1), dbSNP rs1555290077, ClinGen allele CA16619805.

ClinVar aggregate classification (germline): Likely benign (1 of 4 stars; one submission).

Submission:

GeneDx
Classification: Likely benign. Last evaluated: 2016-05-17. Review status: criteria provided, single submitter. Criteria: GeneDx Variant Classification (06012015). Collection method: clinical testing. Allele origin: germline. Affected: yes.
Comment: This variant is considered likely benign or benign based on one or more of the following criteria: it is a conservative change, it occurs at a poorly conserved position in the protein, it is predicted to be benign by multiple in silico algorithms, and/or has population frequency not consistent with disease.